The following is an entry in ClinVar:

ClinVar aggregate classification (germline): Benign. Review status: criteria provided, multiple submitters, no conflicts (2 of 4 stars). 10 submissions from 9 submitters: Benign (9). 1 of the submissions does not count toward it. Last evaluated 2026-02-04.

Conditions:
Corneal dystrophy. Identifiers: Orphanet 34533, MedGen C0010036, MONDO:0018102, HP:0001131.
Congenital hereditary endothelial dystrophy of cornea. Also called: CORNEAL DYSTROPHY, CONGENITAL HEREDITARY ENDOTHELIAL; Congenital hereditary endothelial dystrophy of the cornea; Maumenee corneal dystrophy; Corneal endothelial dystrophy, autosomal recessive; Congenital hereditary endothelial dystrophy type II. Identifiers: Orphanet 293603, MedGen C1857569, MONDO:0009019, OMIM 217700.
Corneal dystrophy-perceptive deafness syndrome (CDPD). Also called: CORNEAL DYSTROPHY AND SENSORINEURAL DEAFNESS; HARBOYAN SYNDROME. Identifiers: Orphanet 1490, MedGen C1857572, MONDO:0009015, OMIM 217400.

Allele frequency attached by ClinVar (database versions not stated): ESP Exome Variant Server 0.25926; 1000 Genomes Project 0.27236; 1000 Genomes Project 30x 0.27358; TOPMed 0.27416; gnomAD 0.27831 and 0.27960; gnomAD exomes 0.28732 and 0.30589; ExAC 0.29989.
gnomAD v4.1: 462,387 of 1,613,366 alleles (29%); highest among the groups gnomAD compares: East Asian, 38%; 67,813 homozygotes.

Submissions (10):

Labcorp Genetics (formerly Invitae), Labcorp
Classification: Benign. Last evaluated: 2026-02-04. Review status: criteria provided, single submitter. Criteria: Invitae Variant Classification Sherloc (09022015). Collection method: clinical testing. Allele origin: germline.

Blueprint Genetics
Classification: Benign. Last evaluated: 2024-11-28. Review status: criteria provided, single submitter. Criteria: ACMG Guidelines, 2015. Collection method: clinical testing. Allele origin: germline.

Mayo Clinic Laboratories, Mayo Clinic
Classification: Benign. Last evaluated: 2022-11-10. Review status: criteria provided, single submitter. Criteria: ACMG Guidelines, 2015. Collection method: clinical testing. Allele origin: germline. Observed: 28 variant alleles.

Genome-Nilou Lab
Classification: Benign for Corneal dystrophy-perceptive deafness syndrome. Last evaluated: 2021-07-10. Review status: criteria provided, single submitter. Criteria: ACMG Guidelines, 2015. Collection method: clinical testing. Allele origin: germline. Affected: no.

Genome-Nilou Lab
Classification: Benign for Congenital hereditary endothelial dystrophy of cornea. Last evaluated: 2021-07-10. Review status: criteria provided, single submitter. Criteria: ACMG Guidelines, 2015. Collection method: clinical testing. Allele origin: germline. Affected: no.

GeneDx
Classification: Benign. Last evaluated: 2019-10-01. Review status: criteria provided, single submitter. Criteria: GeneDx Variant Classification Process June 2021. Collection method: clinical testing. Allele origin: germline. Affected: yes.

Illumina Laboratory Services, Illumina
Classification: Benign for Corneal dystrophy. Last evaluated: 2018-01-12. Review status: criteria provided, single submitter. Criteria: ICSL Variant Classification Criteria 13 December 2019. Collection method: clinical testing. Allele origin: germline.
Comment: This variant was observed in the ICSL laboratory as part of a predisposition screen in an ostensibly healthy population. It had not been previously curated by ICSL or reported in the Human Gene Mutation Database (HGMD: prior to June 1st, 2018), and was therefore a candidate for classification through an automated scoring system. Utilizing variant allele frequency, disease prevalence and penetrance estimates, and inheritance mode, an automated score was calculated to assess if this variant is too frequent to cause the disease. Based on the score and internal cut-off values, a variant classified as benign is not then subjected to further curation. The score for this variant resulted in a classification of benign for this disease.

Breakthrough Genomics
Classification: Benign. Review status: criteria provided, single submitter. Criteria: ACMG Guidelines, 2015. Collection method: not provided. Allele origin: germline. Inheritance: Autosomal recessive inheritance. Affected: yes.

PreventionGenetics, part of Exact Sciences
Classification: Benign. Review status: criteria provided, single submitter. Criteria: ACMG Guidelines, 2015. Collection method: clinical testing. Allele origin: germline.

Natera, Inc.
Classification: Benign for Corneal dystrophy-perceptive deafness syndrome. Last evaluated: 2019-11-19. Review status: no assertion criteria provided. Collection method: clinical testing. Allele origin: germline. Not counted in ClinVar's aggregate classification.

NM_001174089.2(SLC4A11):c.89-8G>T

Gene: SLC4A11 (solute carrier family 4 member 11; minus strand). Cytogenetic location: 20p13.
Variant type: single nucleotide variant.
Coding change: c.89-8G>T on transcript NM_001174089.2 (MANE Select); 8 bases into the intron before coding-DNA position 89, G replaced by T.
Molecular consequence: intron variant.
Genome position (GRCh38, 1-based): chr20:3,234,902, C>A on the plus strand (G>T on the coding strand, the complement: SLC4A11 is on the minus strand). VCF-style: chr20-3234902-C-A. GRCh37 (hg19) VCF-style: chr20-3215548-C-A.
Other names: p.?; c.89-8G>T (NM_001363745.2); c.218-8G>T (NM_001174090.2); c.137-8G>T (NM_032034.4).
Identifiers: ClinVar variation 261995 (VCV000261995.25), dbSNP rs3803957, ClinGen allele CA9742446.